The following is an entry in ClinVar:

NM_022168.4(IFIH1):c.802A>G (p.Ser268Gly)

Gene: IFIH1 (interferon induced with helicase C domain 1; minus strand). Cytogenetic location: 2q24.2.
Variant type: single nucleotide variant.
Coding change: c.802A>G on transcript NM_022168.4 (MANE Select); coding-DNA position 802, A replaced by G.
Protein change: p.Ser268Gly; replaces serine 268 with glycine.
Molecular consequence: missense variant.
Genome position (GRCh38, 1-based): chr2:162,293,636, T>C on the plus strand (A>G on the coding strand, the complement: IFIH1 is on the minus strand). VCF-style: chr2-162293636-T-C. GRCh37 (hg19) VCF-style: chr2-163150146-T-C.
Other names: c.802A>G (NM_022168.3); short protein forms S268G.
Identifiers: ClinVar variation 1360016 (VCV001360016.9), dbSNP rs1266267435, ClinGen allele CA349006114.
Genomic context (GRCh38, chr2:162,293,636, plus strand): 5'-CCATGGTGCCTGAATCACTGCCCATGTTGCTGTTATGTCCAAGACTTTCATCTAAGCAGC[T>C]GACACTTCCTTCTGCCAAACTTGTGTCTGATTCTGCAAAGGAAAACATTTTAAAATATTT-3'
Protein context (NP_071451.2, residues 258-278): SDTSLAEGSV[Ser268Gly]CLDESLGHNS

ClinVar aggregate classification (germline): Uncertain significance. Review status: criteria provided, multiple submitters, no conflicts (2 of 4 stars). 2 submissions from 2 submitters: Uncertain significance (2). Last evaluated 2025-07-26.

Conditions:
Aicardi-Goutieres syndrome 7 (AGS7). Identifiers: Orphanet 51, MedGen C3888244, MONDO:0014367, OMIM 615846.
Singleton-Merten syndrome 1 (SGMRT1). Also called: Widened medullary cavities of bone, aortic calcification, abnormal dentition, and muscular weakness; Syndrome of widened medullary cavities of the metacarpals and phalanges, aortic calcification and abnormal dentition. Identifiers: Orphanet 85191, MedGen C4225427, MONDO:0024535, OMIM 182250.

Allele frequency attached by ClinVar (database versions not stated): TOPMed below 0.00001; gnomAD 0.00001.
gnomAD v4.1: 3 of 1,611,322 alleles (0.00019%); highest among the groups gnomAD compares: Non-Finnish European, 0.000085%; no homozygotes.

Submissions (2):

GeneDx
Classification: Uncertain significance. Last evaluated: 2025-07-26. Review status: criteria provided, single submitter. Criteria: GeneDx Variant Classification Process June 2021. Collection method: clinical testing. Allele origin: germline. Affected: yes.
Comment: Not observed at significant frequency in large population cohorts (gnomAD); In silico analysis suggests that this missense variant does not alter protein structure/function; Has not been previously published as pathogenic or benign to our knowledge

Labcorp Genetics (formerly Invitae), Labcorp
Classification: Uncertain significance for Aicardi-Goutieres syndrome 7; Singleton-Merten syndrome 1. Last evaluated: 2023-06-05. Review status: criteria provided, single submitter. Criteria: Invitae Variant Classification Sherloc (09022015). Collection method: clinical testing. Allele origin: germline.
Comment: In summary, the available evidence is currently insufficient to determine the role of this variant in disease. Therefore, it has been classified as a Variant of Uncertain Significance. Advanced modeling of protein sequence and biophysical properties (such as structural, functional, and spatial information, amino acid conservation, physicochemical variation, residue mobility, and thermodynamic stability) has been performed at Invitae for this missense variant, however the output from this modeling did not meet the statistical confidence thresholds required to predict the impact of this variant on IFIH1 protein function. ClinVar contains an entry for this variant (Variation ID: 1360016). This variant has not been reported in the literature in individuals affected with IFIH1-related conditions. This variant is not present in population databases (gnomAD no frequency). This sequence change replaces serine, which is neutral and polar, with glycine, which is neutral and non-polar, at codon 268 of the IFIH1 protein (p.Ser268Gly).